The following is an entry in ClinVar:

ClinVar aggregate classification (germline): Pathogenic. Review status: criteria provided, multiple submitters, no conflicts (2 of 4 stars). 5 submissions from 5 submitters: Pathogenic (4). 1 of the submissions does not count toward it. Last evaluated 2024-03-08.

Conditions:
Niemann-Pick disease, type A. Also called: SPHINGOMYELIN LIPIDOSIS; SPHINGOMYELINASE DEFICIENCY; Infantile Neurovisceral ASMD (Niemann-Pick Disease Type A; NPD-A). Identifiers: Orphanet 77292, MedGen C0268242, MONDO:0009756, OMIM 257200. Disease mechanism: loss of function.
Niemann-Pick disease, type B. Also called: Chronic Visceral ASMD (Niemann-Pick Disease Type B; NPD-B). Identifiers: Orphanet 77293, MedGen C0268243, MONDO:0011871, OMIM 607616. Disease mechanism: loss of function.

Submissions (5):

Baylor Genetics
Classification: Pathogenic for Niemann-Pick disease, type A. Last evaluated: 2024-03-08. Review status: criteria provided, single submitter. Criteria: ACMG Guidelines, 2015. Collection method: clinical testing. Allele origin: unknown.

Labcorp Genetics (formerly Invitae), Labcorp
Classification: Pathogenic for Niemann-Pick disease, type B; Niemann-Pick disease, type A. Last evaluated: 2023-11-10. Review status: criteria provided, single submitter. Criteria: Invitae Variant Classification Sherloc (09022015). Collection method: clinical testing. Allele origin: germline.
Comment: This sequence change creates a premature translational stop signal (p.Ala597Profs*7) in the SMPD1 gene. While this is not anticipated to result in nonsense mediated decay, it is expected to disrupt the last 35 amino acid(s) of the SMPD1 protein. This variant is not present in population databases (gnomAD no frequency). This premature translational stop signal has been observed in individual(s) with ASM deficiency (PMID: 15877209, 26913189). ClinVar contains an entry for this variant (Variation ID: 370328). This variant disrupts a region of the SMPD1 protein in which other variant(s) (p.Arg602Valfs*11) have been determined to be pathogenic (PMID: 27338287; Invitae). This suggests that this is a clinically significant region of the protein, and that variants that disrupt it are likely to be disease-causing. For these reasons, this variant has been classified as Pathogenic.

Women's Health and Genetics/Laboratory Corporation of America, LabCorp
Classification: Pathogenic for Niemann-Pick disease, type A. Last evaluated: 2022-07-18. Review status: criteria provided, single submitter. Criteria: LabCorp Variant Classification Summary - May 2015. Collection method: clinical testing. Allele origin: germline.
Comment: Variant summary: SMPD1 c.1785_1786delTT (p.Ala597ProfsX7) results in a premature termination codon in the last exon that is not expected to cause nonsense mediated decay (NMD), but is predicted to cause a truncation of the encoded protein, removing the last 35 amino acids of the encoded protein. Truncations downstream of this position have been reported in affected individuals (HGMD). The variant was absent in 250890 control chromosomes (gnomAD). c.1785_1786delTT has been reported in the literature in multiple homozygous and compound heterozygous individuals affected with Niemann-Pick Disease Type A (Pavlu-Pereira_2005, Thurberg_2020, Hu_2021). These data indicate that the variant is very likely to be associated with disease. One of these publications reported experimental evidence evaluating an impact on protein function, and demonstrated almost complete absence of enzyme activity in a liver sample derived from a homozygous patient (Pavlu-Pereira_2005). Three other clinical diagnostic laboratories have submitted clinical-significance assessments for this variant to ClinVar after 2014, and classified the variant as pathogenic (n=2) / likely pathogenic (n=1). Based on the evidence outlined above, the variant was classified as pathogenic.

GeneDx
Classification: Pathogenic. Last evaluated: 2019-12-10. Review status: criteria provided, single submitter. Criteria: GeneDx Variant Classification Process June 2021. Collection method: clinical testing. Allele origin: germline. Affected: yes.
Comment: Frameshift variant in the C-terminus predicted to result in protein truncation, as the last 35 amino acids are lost and replaced with 6 incorrect amino acids; Not observed in large population cohorts (Lek et al., 2016); This variant is associated with the following publications: (PMID: 15877209, 14681755, 18052040, 26499107, 32714837)

Counsyl
Classification: Likely pathogenic for Niemann-Pick disease, type A. Last evaluated: 2016-01-19. Review status: no assertion criteria provided. Collection method: clinical testing. Allele origin: unknown. Not counted in ClinVar's aggregate classification.

Literature cited by the submitters: PubMed 15877209 (cited by 3 submitters); PubMed 26913189 (cited by Labcorp Genetics (formerly Invitae), Labcorp and Women's Health and Genetics/Laboratory Corporation of America, LabCorp); PubMed 27338287 (cited by Labcorp Genetics (formerly Invitae), Labcorp); PubMed 26499107 (cited by Women's Health and Genetics/Laboratory Corporation of America, LabCorp); PubMed 32714837 (cited by Women's Health and Genetics/Laboratory Corporation of America, LabCorp); PubMed 33675270 (cited by Women's Health and Genetics/Laboratory Corporation of America, LabCorp); PubMed 18052040 (cited by Counsyl); PubMed 14681755 (cited by Counsyl).

NM_000543.5(SMPD1):c.1785_1786del (p.Ala597fs)

Gene: SMPD1 (sphingomyelin phosphodiesterase 1; plus strand). Cytogenetic location: 11p15.4.
Variant type: Deletion.
Coding change: c.1785_1786del on transcript NM_000543.5 (MANE Select); coding-DNA positions 1785 to 1786, 2 bases deleted (TT; older notation c.1785_1786delTT).
Protein change: p.Ala597fs; shifts the reading frame from alanine 597.
Molecular consequence: frameshift variant. On other transcripts: 3 prime UTR variant (1), non-coding transcript variant (2).
Genome position (GRCh38, 1-based): chr11:6,394,496-6,394,497, TT deleted; deleting any 2 consecutive bases within chr11:6,394,495-6,394,497 gives the same sequence; the c. name uses the placement nearest the transcript's 3' end. VCF-style (leftmost placement, unchanged base first): chr11-6394494-CTT-C. GRCh37 (hg19) VCF-style: chr11-6415724-CTT-C.
Other names: c.1782_1783del, p.Ala596fs (NM_001007593.3); c.*278_*279del (NM_001318087.2); c.864_865del, p.Ala290fs (NM_001318088.2); c.1653_1654del, p.Ala553fs (NM_001365135.2); c.1785_1786delTT (NM_000543.4); short protein forms A290fs, A597fs, A553fs, A596fs.
Identifiers: ClinVar variation 370328 (VCV000370328.15), dbSNP rs1057516403, ClinGen allele CA16041491.
Genomic context (GRCh38, chr11:6,394,494, plus strand): 5'-CTCTACCATAAGGGCCACCCACCCTCGGAGCCCTGTGGCACGCCCTGCCGTCTGGCTACT[CTT>C]TGTGCCCAGCTCTCTGCCCGTGCTGACAGCCCTGCTCTGTGCCGCCACCTGATGCCAGAT-3'